The following is an entry in ClinVar:

ClinVar aggregate classification (germline): Pathogenic. Review status: criteria provided, multiple submitters, no conflicts (2 of 4 stars). 2 submissions from 2 submitters: Pathogenic (2). Last evaluated 2025-07-08.

Conditions:
Hereditary cancer-predisposing syndrome. Also called: Hereditary Cancer Syndrome; Hereditary neoplastic syndrome; Neoplastic Syndromes, Hereditary; Tumor predisposition. Identifiers: Orphanet 140162, MedGen C0027672, MeSH D009386, MONDO:0015356.

Submissions (2):

Ambry Genetics
Classification: Pathogenic for Hereditary cancer-predisposing syndrome. Last evaluated: 2025-07-08. Review status: criteria provided, single submitter. Criteria: Ambry Variant Classification Scheme 2023. Collection method: clinical testing. Allele origin: germline.
Comment: The c.144dupT pathogenic mutation, located in coding exon 2 of the CTNNA1 gene, results from a duplication of T at nucleotide position 144, causing a translational frameshift with a predicted alternate stop codon (p.N49*). This variant is considered to be rare based on population cohorts in the Genome Aggregation Database (gnomAD). This alteration is expected to result in loss of function by premature protein truncation or nonsense-mediated mRNA decay. As such, this variant is interpreted as a disease-causing mutation.

Labcorp Genetics (formerly Invitae), Labcorp
Classification: Pathogenic. Last evaluated: 2024-12-24. Review status: criteria provided, single submitter. Criteria: Invitae Variant Classification Sherloc (09022015). Collection method: clinical testing. Allele origin: germline.
Comment: This sequence change creates a premature translational stop signal (p.Asn49*) in the CTNNA1 gene. It is expected to result in an absent or disrupted protein product. Loss-of-function variants in CTNNA1 are known to be pathogenic (PMID: 32051609, 34425242). This variant is not present in population databases (gnomAD no frequency). This variant has not been reported in the literature in individuals affected with CTNNA1-related conditions. For these reasons, this variant has been classified as Pathogenic.

Literature cited by the submitters: PubMed 32051609 (cited by Labcorp Genetics (formerly Invitae), Labcorp); PubMed 34425242 (cited by Labcorp Genetics (formerly Invitae), Labcorp).

NM_001903.5(CTNNA1):c.144dup (p.Asn49Ter)

Gene: CTNNA1 (catenin alpha 1; plus strand). Cytogenetic location: 5q31.2.
Variant type: Duplication.
Coding change: c.144dup on transcript NM_001903.5 (MANE Select); coding-DNA position 144, one base duplicated (T; older notation c.144dupT).
Protein change: p.Asn49Ter; replaces asparagine 49 with a stop codon.
Molecular consequence: nonsense. On other transcripts: 5 prime UTR variant (1), intron variant (1).
Genome position (GRCh38, 1-based): chr5:138,783,215, T duplicated. VCF-style (leftmost placement, unchanged base first): chr5-138783214-C-CT. GRCh37 (hg19) VCF-style: chr5-138118903-C-CT.
Other names: c.144dup, p.Asn49Ter (NM_001290307.3, NM_001323982.2, NM_001323983.1 and 3 more transcripts); c.-63dup (NM_001290310.3); c.-9+1186dup (NM_001290309.3); c.144dupT (NM_001903.2); short protein forms N49*.
Identifiers: ClinVar variation 3727933 (VCV003727933.3).